The following is an entry in ClinVar:

ClinVar aggregate classification (germline): Conflicting classifications of pathogenicity. Review status: criteria provided, conflicting classifications (1 of 4 stars). 2 submissions from 2 submitters: Uncertain significance (1); Likely benign (1). Last evaluated 2026-09-08.

Conditions:
Hereditary cancer-predisposing syndrome. Also called: Tumor predisposition; Neoplastic Syndromes, Hereditary; Hereditary Cancer Syndrome; Hereditary neoplastic syndrome. Identifiers: Orphanet 140162, MedGen C0027672, MeSH D009386, MONDO:0015356.
Hereditary diffuse gastric adenocarcinoma (HDGC). Also called: DIFFUSE GASTRIC AND LOBULAR BREAST CANCER SYNDROME. Identifiers: Orphanet 26106, MedGen C1708349, MONDO:0007648, OMIM 137215.

Allele frequency attached by ClinVar (database versions not stated): gnomAD exomes below 0.00001.
gnomAD v4.1: 1 of 1,614,154 alleles (0.000062%); highest among the groups gnomAD compares: South Asian, 0.0011%; no homozygotes.

Submissions (2):

Ambry Genetics
Classification: Likely benign for Hereditary cancer-predisposing syndrome. Last evaluated: 2026-09-08. Review status: criteria provided, single submitter. Criteria: Ambry Variant Classification Scheme 2023. Collection method: clinical testing. Allele origin: germline.

Labcorp Genetics (formerly Invitae), Labcorp
Classification: Uncertain significance for Hereditary diffuse gastric adenocarcinoma. Last evaluated: 2025-11-17. Review status: criteria provided, single submitter. Criteria: Invitae Variant Classification Sherloc (09022015). Collection method: clinical testing. Allele origin: germline.
Comment: This sequence change affects codon 177 of the CDH1 mRNA. It is a 'silent' change, meaning that it does not change the encoded amino acid sequence of the CDH1 protein. This variant also falls at the last nucleotide of exon 4, which is part of the consensus splice site for this exon. This variant is not present in population databases (gnomAD no frequency). This variant has not been reported in the literature in individuals affected with CDH1-related conditions. ClinVar contains an entry for this variant (Variation ID: 231342). Variants that disrupt the consensus splice site are a relatively common cause of aberrant splicing (PMID: 17576681, 9536098). Algorithms developed to predict the effect of sequence changes on RNA splicing suggest that this variant may disrupt the consensus splice site. In summary, the available evidence is currently insufficient to determine the role of this variant in disease. Therefore, it has been classified as a Variant of Uncertain Significance.

Literature cited by the submitters: PubMed 17576681 (cited by Labcorp Genetics (formerly Invitae), Labcorp); PubMed 9536098 (cited by Labcorp Genetics (formerly Invitae), Labcorp).

NM_004360.5(CDH1):c.531G>A (p.Gln177=)

Gene: CDH1 (cadherin 1; plus strand). Cytogenetic location: 16q22.1.
Variant type: single nucleotide variant.
Coding change: c.531G>A on transcript NM_004360.5 (MANE Select); coding-DNA position 531, G replaced by A.
Protein change: p.Gln177=; no amino-acid change (glutamine 177 retained).
Molecular consequence: synonymous variant. On other transcripts: 5 prime UTR variant (2).
Genome position (GRCh38, 1-based): chr16:68,808,567, G>A. VCF-style: chr16-68808567-G-A. GRCh37 (hg19) VCF-style: chr16-68842470-G-A.
Other names: c.531G>A (LRG_301t1); c.531G>A, p.Gln177= (NM_001317184.2); c.-1085G>A (NM_001317185.2); c.-1289G>A (NM_001317186.2).
Identifiers: ClinVar variation 231342 (VCV000231342.13), dbSNP rs876659103, ClinGen allele CA10580085.